The following is an entry in ClinVar:

NM_020821.3(VPS13C):c.6601del (p.Phe2200_Ile2201insTer)

Gene: VPS13C (vacuolar protein sorting 13 homolog C; minus strand). Cytogenetic location: 15q22.2.
Variant type: Deletion.
Coding change: c.6601del on transcript NM_020821.3 (MANE Select); coding-DNA position 6601, one base deleted (A; older notation c.6601delA).
Protein change: p.Phe2200_Ile2201insTer.
Molecular consequence: nonsense.
Genome position (GRCh38, 1-based): chr15:61,925,464, T deleted on the plus strand (A on the coding strand, the reverse complement: VPS13C is on the minus strand). VCF-style (leftmost placement, unchanged base first): chr15-61925463-AT-A. GRCh37 (hg19) VCF-style: chr15-62217662-AT-A.
Other names: c.6601del, p.Phe2200_Ile2201insTer (NM_001018088.3); c.6472del, p.Phe2157_Ile2158insTer (NM_017684.5, NM_018080.4).
Identifiers: ClinVar variation 2031092 (VCV002031092.4), dbSNP rs2547891117, ClinGen allele CA2580089832.

ClinVar aggregate classification (germline): Pathogenic (1 of 4 stars; one submission).

Submission:

Labcorp Genetics (formerly Invitae), Labcorp
Classification: Pathogenic. Last evaluated: 2024-04-17. Review status: criteria provided, single submitter. Criteria: Invitae Variant Classification Sherloc (09022015). Collection method: clinical testing. Allele origin: germline.
Comment: This sequence change creates a premature translational stop signal (p.Ile2201*) in the VPS13C gene. It is expected to result in an absent or disrupted protein product. Loss-of-function variants in VPS13C are known to be pathogenic (PMID: 26942284, 34875562). This variant is not present in population databases (gnomAD no frequency). This variant has not been reported in the literature in individuals affected with VPS13C-related conditions. ClinVar contains an entry for this variant (Variation ID: 2031092). For these reasons, this variant has been classified as Pathogenic.

Literature cited by the submitters: PubMed 26942284; PubMed 34875562.